The following is an entry in ClinVar:

NM_001079802.2(FKTN):c.106-2A>C

Gene: FKTN (fukutin; plus strand). Cytogenetic location: 9q31.2.
Variant type: single nucleotide variant.
Coding change: c.106-2A>C on transcript NM_001079802.2 (MANE Select); the canonical splice acceptor site of the intron before coding-DNA position 106, A replaced by C.
Molecular consequence: splice acceptor variant.
Genome position (GRCh38, 1-based): chr9:105,596,596, A>C. VCF-style: chr9-105596596-A-C. GRCh37 (hg19) VCF-style: chr9-108358877-A-C.
Other names: c.106-2A>C (NM_006731.2, NM_001351496.2, NM_001198963.2 and 1 more transcripts); c.-409-2A>C (NM_001351502.2, NM_001351499.2, NM_001351500.2 and 1 more transcripts); c.-62-2A>C (NM_001351497.2).
Identifiers: ClinVar variation 1780544 (VCV001780544.7), dbSNP rs1554748292, ClinGen allele CA374331016.
Genomic context (GRCh38, chr9:105,596,596, plus strand): 5'-GAAATGTAATGTTGCATGCTGGACTTTGAATTTACTAAAAAGTTCTTTTGTTGTCTTCCT[A>C]GAATGGAGCTGGTTTGTCAAAATCCAAAGGAAGCCGAATTGGATTTGATAGCACACAGTG-3'

ClinVar aggregate classification (germline): Conflicting classifications of pathogenicity. Review status: criteria provided, conflicting classifications (1 of 4 stars). 2 submissions from 2 submitters: Likely pathogenic (1); Uncertain significance (1). Last evaluated 2022-05-04.

Conditions:
Cardiovascular phenotype. Identifiers: MedGen CN230736.
Walker-Warburg congenital muscular dystrophy. Also called: Muscular dystrophy-dystroglycanopathy, type A; Walker-Warburg syndrome. Identifiers: Orphanet 899, MedGen C0265221, MONDO:0000171.

Submissions (2):

Ambry Genetics
Classification: Uncertain significance for Cardiovascular phenotype. Last evaluated: 2022-05-04. Review status: criteria provided, single submitter. Criteria: Ambry Variant Classification Scheme 2023. Collection method: clinical testing. Allele origin: germline.
Comment: The c.106-2A>C intronic variant results from an A to C substitution two nucleotides upstream from coding exon 2 in the FKTN gene. Alterations that disrupt the canonical splice site are expected to result in aberrant splicing. In silico splice site analysis predicts that this alteration will weaken the native splice acceptor site and may result in the creation or strengthening of a novel splice acceptor site. The resulting transcript is predicted to be in-frame and is not expected to trigger nonsense-mediated mRNAdecay; however, direct evidence is unavailable. The exact functional effect of the altered amino acid sequence is unknown. This nucleotide position is highly conserved in available vertebrate species. Since supporting evidence is limited at this time, the clinical significance of this alteration remains unclear.

Labcorp Genetics (formerly Invitae), Labcorp
Classification: Likely pathogenic for Walker-Warburg congenital muscular dystrophy. Last evaluated: 2022-02-17. Review status: criteria provided, single submitter. Criteria: Invitae Variant Classification Sherloc (09022015). Collection method: clinical testing. Allele origin: germline.
Comment: In summary, the currently available evidence indicates that the variant is pathogenic, but additional data are needed to prove that conclusively. Therefore, this variant has been classified as Likely Pathogenic. Algorithms developed to predict the effect of sequence changes on RNA splicing suggest that this variant may disrupt the consensus splice site. This variant has not been reported in the literature in individuals affected with FKTN-related conditions. This variant is not present in population databases (gnomAD no frequency). This sequence change affects an acceptor splice site in intron 3 of the FKTN gene. It is expected to disrupt RNA splicing. Variants that disrupt the donor or acceptor splice site typically lead to a loss of protein function (PMID: 16199547), and loss-of-function variants in FKTN are known to be pathogenic (PMID: 17044012, 17878207, 18752264).

Literature cited by the submitters: PubMed 16199547 (cited by Labcorp Genetics (formerly Invitae), Labcorp); PubMed 17044012 (cited by Labcorp Genetics (formerly Invitae), Labcorp); PubMed 17878207 (cited by Labcorp Genetics (formerly Invitae), Labcorp); PubMed 18752264 (cited by Labcorp Genetics (formerly Invitae), Labcorp).